The following is an entry in ClinVar:

ClinVar aggregate classification (germline): Uncertain significance (1 of 4 stars; one submission).

Conditions:
Hereditary cancer-predisposing syndrome. Also called: Neoplastic Syndromes, Hereditary; Tumor predisposition; Hereditary neoplastic syndrome; Hereditary Cancer Syndrome. Identifiers: Orphanet 140162, MedGen C0027672, MeSH D009386, MONDO:0015356.

Submission:

Ambry Genetics
Classification: Uncertain significance for Hereditary cancer-predisposing syndrome. Last evaluated: 2024-05-08. Review status: criteria provided, single submitter. Criteria: Ambry Variant Classification Scheme 2023. Collection method: clinical testing. Allele origin: germline.
Comment: The p.G321R variant (also known as c.961G>C), located in coding exon 5 of the RET gene, results from a G to C substitution at nucleotide position 961. The glycine at codon 321 is replaced by arginine, an amino acid with dissimilar properties. This amino acid position is not well conserved in available vertebrate species. In addition, this alteration is predicted to be tolerated by in silico analysis. Based on the available evidence, the clinical significance of this variant remains unclear.

NM_020975.6(RET):c.961G>C (p.Gly321Arg)

Gene: RET (ret proto-oncogene; plus strand). Cytogenetic location: 10q11.21.
Variant type: single nucleotide variant.
Coding change: c.961G>C on transcript NM_020975.6 (MANE Select); coding-DNA position 961, G replaced by C.
Protein change: p.Gly321Arg; replaces glycine 321 with arginine.
Molecular consequence: missense variant. On other transcripts: intron variant (25).
Genome position (GRCh38, 1-based): chr10:43,106,469, G>C. VCF-style: chr10-43106469-G-C. GRCh37 (hg19) VCF-style: chr10-43601917-G-C.
Other names: c.199G>C, p.Gly67Arg (NM_001355216.2); c.961G>C, p.Gly321Arg (NM_001406743.1, NM_001406744.1, NM_001406759.1 and 4 more transcripts); c.832G>C, p.Gly278Arg (NM_001406761.1, NM_001406762.1, NM_001406764.1 and 1 more transcripts); c.673G>C, p.Gly225Arg (NM_001406766.1, NM_001406767.1, NM_001406770.1); c.867+1276G>C (NM_001406772.1, NM_001406769.1); c.626-2562G>C (NM_001406773.1, NM_001406771.1); c.625+3840G>C (NM_001406782.1, NM_001406780.1, NM_001406779.1 and 3 more transcripts); c.738+1276G>C (NM_001406774.1); and 5 more; short protein forms G225R, G67R, G278R, G321R.
Identifiers: ClinVar variation 3313706 (VCV003313706.1).